The following is an entry in ClinVar:

ClinVar aggregate classification (germline): Pathogenic (1 of 4 stars; one submission).

Conditions:
Odonto-onycho-dermal dysplasia. Identifiers: Orphanet 2721, MedGen C0796093, MONDO:0009773, OMIM 257980.
Tooth agenesis, selective, 4 (STHAG4). Also called: TOOTH AGENESIS, SELECTIVE, 4, WITH OR WITHOUT ECTODERMAL DYSPLASIA; LATERAL INCISORS, ABSENCE OF; LATERAL INCISORS, PEGGED OR MISSING; SUCCEDANEOUS TEETH, AGENESIS OF. Identifiers: Orphanet 99798, MedGen C1835492, MONDO:0007881, OMIM 150400. Disease mechanism: loss of function.

Submission:

Labcorp Genetics (formerly Invitae), Labcorp
Classification: Pathogenic for Tooth agenesis, selective, 4; Odonto-onycho-dermal dysplasia. Last evaluated: 2020-05-18. Review status: criteria provided, single submitter. Criteria: Invitae Variant Classification Sherloc (09022015). Collection method: clinical testing. Allele origin: germline.
Comment: For these reasons, this variant has been classified as Pathogenic. This variant disrupts the C-terminus of the WNT10A protein. Other variant(s) that disrupt this region (p.Glu390*) have been determined to be pathogenic (PMID: 24902757). This suggests that variants that disrupt this region of the protein are likely to be causative of disease. This variant has not been reported in the literature in individuals with WNT10A-related conditions. The frequency data for this variant in the population databases is considered unreliable, as metrics indicate insufficient coverage at this position in the ExAC database. This sequence change results in a frameshift in the WNT10A gene (p.Phe283Hisfs*143). While this is not anticipated to result in nonsense mediated decay, it is expected to disrupt the last 135 amino acids of the WNT10A protein and extend the protein by an additional 7 amino acids.

Literature cited by the submitters: PubMed 24902757.

NM_025216.3(WNT10A):c.847_851del (p.Phe283fs)

Gene: WNT10A (Wnt family member 10A; plus strand). Cytogenetic location: 2q35.
Variant type: Deletion.
Coding change: c.847_851del on transcript NM_025216.3 (MANE Select); coding-DNA positions 847 to 851, 5 bases deleted (TTCCG; older notation c.847_851delTTCCG).
Protein change: p.Phe283fs; shifts the reading frame from phenylalanine 283.
Molecular consequence: frameshift variant.
Genome position (GRCh38, 1-based): chr2:218,892,864-218,892,868, TTCCG deleted; deleting any 5 consecutive bases within chr2:218,892,863-218,892,868 gives the same sequence; the c. name uses the placement nearest the transcript's 3' end. VCF-style (leftmost placement, unchanged base first): chr2-218892862-AGTTCC-A. GRCh37 (hg19) VCF-style: chr2-219757584-AGTTCC-A.
Other names: short protein forms F283fs.
Identifiers: ClinVar variation 1075575 (VCV001075575.9), dbSNP rs2106018239, ClinGen allele CA2499215667.